The following is an entry in ClinVar:

NM_004006.3(DMD):c.3283G>T (p.Val1095Phe)

Gene: DMD (dystrophin; minus strand). Cytogenetic location: Xp21.1.
Variant type: single nucleotide variant.
Coding change: c.3283G>T on transcript NM_004006.3 (MANE Select); coding-DNA position 3283, G replaced by T.
Protein change: p.Val1095Phe; replaces valine 1095 with phenylalanine.
Molecular consequence: missense variant.
Genome position (GRCh38, 1-based): chrX:32,463,588, C>A on the plus strand (G>T on the coding strand, the complement: DMD is on the minus strand). VCF-style: chrX-32463588-C-A. GRCh37 (hg19) VCF-style: chrX-32481705-C-A.
Other names: c.3259G>T, p.Val1087Phe (NM_000109.4); c.3271G>T, p.Val1091Phe (NM_004009.3); c.2914G>T, p.Val972Phe (NM_004010.3); short protein forms V1091F, V1087F, V1095F, V972F.
Identifiers: ClinVar variation 4824039 (VCV004824039.1).

ClinVar aggregate classification (germline): Uncertain significance (1 of 4 stars; one submission).

Conditions:
Cardiovascular phenotype. Identifiers: MedGen CN230736.

gnomAD v4.1: 3 of 1,135,518 alleles (0.00026%); highest among the groups gnomAD compares: Non-Finnish European, 0.00035%; no homozygotes.

Submission:

Ambry Genetics
Classification: Uncertain significance for Cardiovascular phenotype. Last evaluated: 2026-02-03. Review status: criteria provided, single submitter. Criteria: Ambry Variant Classification Scheme 2023. Collection method: clinical testing. Allele origin: germline.
Comment: The p.V1095F variant (also known as c.3283G>T), located in coding exon 25 of the DMD gene, results from a G to T substitution at nucleotide position 3283. The valine at codon 1095 is replaced by phenylalanine, an amino acid with highly similar properties. This amino acid position is highly conserved in available vertebrate species. In addition, the in silico prediction for this alteration is inconclusive. Based on data from gnomAD, the T allele has an overall frequency of <0.01% (2/119253) total alleles studied, with no hemizygote(s) observed. The highest observed frequency was <0.01% (2/51313) of European (non-Finnish) alleles. Based on the available evidence, the clinical significance of this variant remains unclear.